The following is an entry in ClinVar:

ClinVar aggregate classification (germline): Uncertain significance (1 of 4 stars; one submission).

Submission:

Ambry Genetics
Classification: Uncertain significance. Last evaluated: 2023-11-06. Review status: criteria provided, single submitter. Criteria: Ambry Variant Classification Scheme 2023. Collection method: clinical testing. Allele origin: germline.
Comment: The p.V500I variant (also known as c.1498G>A), located in coding exon 14 of the RAD54L gene, results from a G to A substitution at nucleotide position 1498. The valine at codon 500 is replaced by isoleucine, an amino acid with highly similar properties. This amino acid position is conserved. In addition, the in silico prediction for this alteration is inconclusive. Since supporting evidence is limited at this time, the clinical significance of this alteration remains unclear.

NM_003579.4(RAD54L):c.1498G>A (p.Val500Ile)

Gene: RAD54L (RAD54 like; plus strand). Cytogenetic location: 1p34.1.
Variant type: single nucleotide variant.
Coding change: c.1498G>A on transcript NM_003579.4 (MANE Select); coding-DNA position 1498, G replaced by A.
Protein change: p.Val500Ile; replaces valine 500 with isoleucine.
Molecular consequence: missense variant.
Genome position (GRCh38, 1-based): chr1:46,273,635, G>A. VCF-style: chr1-46273635-G-A. GRCh37 (hg19) VCF-style: chr1-46739307-G-A.
Other names: c.1498G>A, p.Val500Ile (NM_001142548.2); c.958G>A, p.Val320Ile (NM_001370766.1); short protein forms V500I, V320I.
Identifiers: ClinVar variation 1773925 (VCV001773925.2), dbSNP rs2148301915, ClinGen allele CA340181682.